The following is an entry in ClinVar:

NM_018161.5(NADSYN1):c.1968G>A (p.Ala656=)

Gene: NADSYN1 (NAD synthetase 1; plus strand). Cytogenetic location: 11q13.4.
Variant type: single nucleotide variant.
Coding change: c.1968G>A on transcript NM_018161.5 (MANE Select); coding-DNA position 1968, G replaced by A.
Protein change: p.Ala656=; no amino-acid change (alanine 656 retained).
Molecular consequence: synonymous variant.
Genome position (GRCh38, 1-based): chr11:71,498,426, G>A. VCF-style: chr11-71498426-G-A. GRCh37 (hg19) VCF-style: chr11-71209472-G-A.
Identifiers: ClinVar variation 3770451 (VCV003770451.13).
Genomic context (GRCh38, chr11:71,498,426, plus strand): 5'-GAAGCGGTTTTTCTCCAAGTACTCCATGAACAGACACAAGATGACCACGCTCACACCCGC[G>A]TACCACGCCGAGAACTACAGCCCTGAGGACAACAGGTTTGATCTGCGACCATTTCTGTAC-3'
Protein context (NP_060631.2, residues 646-666): NRHKMTTLTP[Ala656=]YHAENYSPED

ClinVar aggregate classification (germline): Likely benign (1 of 4 stars; one submission).

gnomAD v4.1: 1,759 of 1,614,152 alleles (0.11%); highest among the groups gnomAD compares: Non-Finnish European, 0.12%; 2 homozygotes.

Submission:

CeGaT Center for Human Genetics Tuebingen
Classification: Likely benign. Last evaluated: 2024-12-01. Review status: criteria provided, single submitter. Criteria: CeGaT Center For Human Genetics Tuebingen Variant Classification Criteria Version 2. Collection method: clinical testing. Allele origin: germline. Affected: yes. Observed: 1 variant allele.
Comment: NADSYN1: BP4, BP7